The following is an entry in ClinVar:

ClinVar aggregate classification (germline): Likely benign (1 of 4 stars; one submission).

gnomAD v4.1: 17 of 1,611,632 alleles (0.0011%); highest among the groups gnomAD compares: African/African-American, 0.0027%; no homozygotes.

Submission:

CeGaT Center for Human Genetics Tuebingen
Classification: Likely benign. Last evaluated: 2026-09-01. Review status: criteria provided, single submitter. Criteria: CeGaT Center For Human Genetics Tuebingen Variant Classification Criteria Version 2. Collection method: clinical testing. Allele origin: germline. Affected: yes. Observed: 1 variant allele.
Comment: SLC26A1: BP4, BP7

NM_022042.4(SLC26A1):c.465C>T (p.Pro155=)

Genes: IDUA (alpha-L-iduronidase; plus strand), SLC26A1 (solute carrier family 26 member 1; minus strand). Cytogenetic location: 4p16.3.
Variant type: single nucleotide variant.
Coding change: c.465C>T on transcript NM_022042.4 (MANE Select); coding-DNA position 465, C replaced by T.
Protein change: p.Pro155=; no amino-acid change (proline 155 retained).
Molecular consequence: synonymous variant. On other transcripts: intron variant (1).
Genome position (GRCh38, 1-based): chr4:991,239, G>A on the plus strand (C>T on the coding strand, the complement: SLC26A1 is on the minus strand). VCF-style: chr4-991239-G-A. GRCh37 (hg19) VCF-style: chr4-985027-G-A.
Other names: c.465C>T, p.Pro155= (NM_134425.4, NM_213613.4); c.299+3290G>A (NM_000203.5).
Identifiers: ClinVar variation 5041030 (VCV005041030.1).